The following is an entry in ClinVar:

ClinVar aggregate classification (germline): Pathogenic (1 of 4 stars; one submission).

Conditions:
Familial cancer of breast. Also called: BREAST CANCER, FAMILIAL; hereditary breast carcinoma; Hereditary breast cancer. Identifiers: Orphanet 227535, MedGen C0346153, MONDO:0016419, OMIM 114480. Disease mechanism: loss of function.

Submission:

Labcorp Genetics (formerly Invitae), Labcorp
Classification: Pathogenic for Familial cancer of breast. Last evaluated: 2023-01-14. Review status: criteria provided, single submitter. Criteria: Invitae Variant Classification Sherloc (09022015). Collection method: clinical testing. Allele origin: germline.
Comment: For these reasons, this variant has been classified as Pathogenic. ClinVar contains an entry for this variant (Variation ID: 665371). This variant has not been reported in the literature in individuals affected with CHEK2-related conditions. This variant is not present in population databases (gnomAD no frequency). This sequence change creates a premature translational stop signal (p.Tyr136*) in the CHEK2 gene. It is expected to result in an absent or disrupted protein product. Loss-of-function variants in CHEK2 are known to be pathogenic (PMID: 21876083, 24713400).

Literature cited by the submitters: PubMed 21876083; PubMed 24713400.

NM_007194.4(CHEK2):c.408C>A (p.Tyr136Ter)

Gene: CHEK2 (checkpoint kinase 2; minus strand). Cytogenetic location: 22q12.1.
Variant type: single nucleotide variant.
Coding change: c.408C>A on transcript NM_007194.4 (MANE Select); coding-DNA position 408, C replaced by A.
Protein change: p.Tyr136Ter; replaces tyrosine 136 with a stop codon.
Molecular consequence: nonsense.
Genome position (GRCh38, 1-based): chr22:28,725,279, G>T on the plus strand (C>A on the coding strand, the complement: CHEK2 is on the minus strand). VCF-style: chr22-28725279-G-T. GRCh37 (hg19) VCF-style: chr22-29121267-G-T.
Other names: c.537C>A, p.Tyr179Ter (NM_001005735.3); c.-370C>A (NM_001257387.3); c.408C>A, p.Tyr136Ter (NM_001349956.3, NM_145862.3); short protein forms Y179*, Y136*.
Identifiers: ClinVar variation 665371 (VCV000665371.7), dbSNP rs911826883, ClinGen allele CA323033338.